The following is an entry in ClinVar:

NM_001113491.2(SEPTIN9):c.*955C>T

Gene: SEPTIN9 (septin 9; plus strand). Cytogenetic location: 17q25.3.
Variant type: single nucleotide variant.
Coding change: c.*955C>T on transcript NM_001113491.2 (MANE Select); 955 bases downstream of the stop codon, C replaced by T.
Molecular consequence: 3 prime UTR variant.
Genome position (GRCh38, 1-based): chr17:77,499,613, C>T. VCF-style: chr17-77499613-C-T. GRCh37 (hg19) VCF-style: chr17-75495695-C-T.
Other names: c.*955C>T (NM_001113492.2, NM_001113493.2, NM_001113494.1 and 7 more transcripts).
Identifiers: ClinVar variation 325604 (VCV000325604.6), dbSNP rs116655270, ClinGen allele CA10651180.

ClinVar aggregate classification (germline): Benign. Review status: criteria provided, multiple submitters, no conflicts (2 of 4 stars). 2 submissions from 2 submitters: Benign (2). Last evaluated 2017-04-27.

Conditions:
Amyotrophic neuralgia (HNA). Also called: AMYOTROPHY, HEREDITARY NEURALGIC; Hereditary Brachial Plexus Neuropathy; Neuritis with Brachial Predilection; AMYOTROPHY, HEREDITARY NEURALGIC, WITH PREDILECTION FOR BRACHIAL PLEXUS. Identifiers: Orphanet 2901, MedGen C1834304, MONDO:0008076, OMIM 162100.

Allele frequency attached by ClinVar (database versions not stated): gnomAD exomes 0.00441; gnomAD 0.02385 and 0.02567; 1000 Genomes Project 0.02636; TOPMed 0.02663; 1000 Genomes Project 30x 0.02983.
gnomAD v4.1: 4,928 of 436,308 alleles (1.1%); highest among the groups gnomAD compares: African/African-American, 7.9%; 175 homozygotes.

Submissions (2):

Illumina Laboratory Services, Illumina
Classification: Benign for Amyotrophy, hereditary neuralgic. Last evaluated: 2017-04-27. Review status: criteria provided, single submitter. Criteria: ICSL Variant Classification Criteria 13 December 2019. Collection method: clinical testing. Allele origin: germline.
Comment: This variant was observed as part of a predisposition screen in an ostensibly healthy population. A literature search was performed for the gene, cDNA change, and amino acid change (where applicable). No publications were found based on this search. Allele frequency data from public databases was too high to be consistent with this variant causing disease. Therefore, this variant is classified as benign.

Breakthrough Genomics
Classification: Benign. Review status: criteria provided, single submitter. Criteria: ACMG Guidelines, 2015. Collection method: not provided. Allele origin: germline. Inheritance: Autosomal dominant inheritance. Affected: yes.